The following is an entry in ClinVar:

ClinVar aggregate classification (germline): Uncertain significance (1 of 4 stars; one submission).

Conditions:
Peroxisome biogenesis disorder, complementation group 7 (CG7). Also called: Peroxisome biogenesis disorder, complementation group B. Identifiers: MedGen C1864399.

Submission:

Labcorp Genetics (formerly Invitae), Labcorp
Classification: Uncertain significance for Peroxisome biogenesis disorder, complementation group 7. Last evaluated: 2025-04-28. Review status: criteria provided, single submitter. Criteria: Invitae Variant Classification Sherloc (09022015). Collection method: clinical testing. Allele origin: germline.
Comment: This sequence change replaces glycine, which is neutral and non-polar, with alanine, which is neutral and non-polar, at codon 23 of the PEX10 protein (p.Gly23Ala). This variant is present in population databases (no rsID available, gnomAD 0.005%). This variant has not been reported in the literature in individuals affected with PEX10-related conditions. ClinVar contains an entry for this variant (Variation ID: 1910778). An algorithm developed to predict the effect of missense changes on protein structure and function (PolyPhen-2) suggests that this variant is likely to be tolerated. In summary, the available evidence is currently insufficient to determine the role of this variant in disease. Therefore, it has been classified as a Variant of Uncertain Significance.

NM_002617.4(PEX10):c.68G>C (p.Gly23Ala)

Gene: PEX10 (peroxisomal biogenesis factor 10; minus strand). Cytogenetic location: 1p36.32.
Variant type: single nucleotide variant.
Coding change: c.68G>C on transcript NM_002617.4 (MANE Select); coding-DNA position 68, G replaced by C.
Protein change: p.Gly23Ala; replaces glycine 23 with alanine.
Molecular consequence: missense variant. On other transcripts: intron variant (2).
Genome position (GRCh38, 1-based): chr1:2,412,435, C>G on the plus strand (G>C on the coding strand, the complement: PEX10 is on the minus strand). VCF-style: chr1-2412435-C-G. GRCh37 (hg19) VCF-style: chr1-2343874-C-G.
Other names: c.68G>C, p.Gly23Ala (NM_001374425.1, NM_153818.2); c.-321+1162G>C (NM_001374427.1, NM_001374426.1); short protein forms G23A.
Identifiers: ClinVar variation 1910778 (VCV001910778.3), dbSNP rs753786568, ClinGen allele CA337990511.